The following is an entry in ClinVar:

NM_173551.5(ANKS6):c.733G>T (p.Val245Leu)

Gene: ANKS6 (ankyrin repeat and sterile alpha motif domain containing 6; minus strand). Cytogenetic location: 9q22.33.
Variant type: single nucleotide variant.
Coding change: c.733G>T on transcript NM_173551.5 (MANE Select); coding-DNA position 733, G replaced by T.
Protein change: p.Val245Leu; replaces valine 245 with leucine.
Molecular consequence: missense variant.
Genome position (GRCh38, 1-based): chr9:98,790,233, C>A on the plus strand (G>T on the coding strand, the complement: ANKS6 is on the minus strand). VCF-style: chr9-98790233-C-A. GRCh37 (hg19) VCF-style: chr9-101552515-C-A.
Other names: p.Val245Leu; c.733G>T (NM_173551.3); short protein forms V245L.
Identifiers: ClinVar variation 2076390 (VCV002076390.3), dbSNP rs752825071, ClinGen allele CA5153770.

ClinVar aggregate classification (germline): Uncertain significance. Review status: criteria provided, multiple submitters, no conflicts (2 of 4 stars). 3 submissions from 3 submitters: Uncertain significance (3). Last evaluated 2024-08-27.

Conditions:
Nephronophthisis 16 (NPHP16). Identifiers: Orphanet 655, MedGen C3809320, MONDO:0014158, OMIM 615382.

Allele frequency attached by ClinVar (database versions not stated): TOPMed 0.00002; gnomAD exomes 0.00003; ExAC 0.00004.
gnomAD v4.1: 48 of 1,607,012 alleles (0.003%); highest among the groups gnomAD compares: South Asian, 0.013%; 1 homozygote.

Submissions (3):

GeneDx
Classification: Uncertain significance. Last evaluated: 2024-08-27. Review status: criteria provided, single submitter. Criteria: GeneDx Variant Classification Process June 2021. Collection method: clinical testing. Allele origin: germline. Affected: yes.
Comment: In silico analysis indicates that this missense variant does not alter protein structure/function; Has not been previously published as pathogenic or benign to our knowledge

Mayo Clinic Laboratories, Mayo Clinic
Classification: Uncertain significance. Last evaluated: 2023-01-30. Review status: criteria provided, single submitter. Criteria: ACMG Guidelines, 2015. Collection method: clinical testing. Allele origin: germline. Observed: 1 variant allele.
Comment: BP4

Labcorp Genetics (formerly Invitae), Labcorp
Classification: Uncertain significance for Nephronophthisis 16. Last evaluated: 2022-08-08. Review status: criteria provided, single submitter. Criteria: Invitae Variant Classification Sherloc (09022015). Collection method: clinical testing. Allele origin: germline.
Comment: This sequence change replaces valine, which is neutral and non-polar, with leucine, which is neutral and non-polar, at codon 245 of the ANKS6 protein (p.Val245Leu). This variant is present in population databases (rs752825071, gnomAD 0.02%). This variant has not been reported in the literature in individuals affected with ANKS6-related conditions. Algorithms developed to predict the effect of missense changes on protein structure and function (SIFT, PolyPhen-2, Align-GVGD) all suggest that this variant is likely to be tolerated. In summary, the available evidence is currently insufficient to determine the role of this variant in disease. Therefore, it has been classified as a Variant of Uncertain Significance.